The following is an entry in ClinVar:

ClinVar aggregate classification (germline): Uncertain significance (1 of 4 stars; one submission).

Conditions:
Progressive sclerosing poliodystrophy (MTDPS4A). Also called: ALPERS PROGRESSIVE INFANTILE POLIODYSTROPHY; NEURONAL DEGENERATION OF CHILDHOOD WITH LIVER DISEASE, PROGRESSIVE; Mitochondrial DNA depletion syndrome 4A (Alpers type); Mitochondrial DNA Depletion Syndrome 4A; Alpers-Huttenlocher Syndrome (AHS); Alpers Syndrome. Identifiers: Orphanet 726, MedGen C0205710, MONDO:0008758, OMIM 203700.

Submission:

Labcorp Genetics (formerly Invitae), Labcorp
Classification: Uncertain significance for Progressive sclerosing poliodystrophy. Last evaluated: 2023-12-01. Review status: criteria provided, single submitter. Criteria: Invitae Variant Classification Sherloc (09022015). Collection method: clinical testing. Allele origin: germline.
Comment: This sequence change replaces proline, which is neutral and non-polar, with threonine, which is neutral and polar, at codon 716 of the POLG protein (p.Pro716Thr). This variant is not present in population databases (gnomAD no frequency). This variant has not been reported in the literature in individuals affected with POLG-related conditions. Advanced modeling of protein sequence and biophysical properties (such as structural, functional, and spatial information, amino acid conservation, physicochemical variation, residue mobility, and thermodynamic stability) performed at Invitae indicates that this missense variant is not expected to disrupt POLG protein function with a negative predictive value of 95%. In summary, the available evidence is currently insufficient to determine the role of this variant in disease. Therefore, it has been classified as a Variant of Uncertain Significance.

NM_002693.3(POLG):c.2146C>A (p.Pro716Thr)

Gene: POLG (DNA polymerase gamma, catalytic subunit; minus strand). Cytogenetic location: 15q26.1.
Variant type: single nucleotide variant.
Coding change: c.2146C>A on transcript NM_002693.3 (MANE Select); coding-DNA position 2146, C replaced by A.
Protein change: p.Pro716Thr; replaces proline 716 with threonine.
Molecular consequence: missense variant.
Genome position (GRCh38, 1-based): chr15:89,323,826, G>T on the plus strand (C>A on the coding strand, the complement: POLG is on the minus strand). VCF-style: chr15-89323826-G-T. GRCh37 (hg19) VCF-style: chr15-89867057-G-T.
Other names: c.2146C>A, p.Pro716Thr (NM_001126131.2); short protein forms P716T.
Identifiers: ClinVar variation 2700242 (VCV002700242.3), dbSNP rs796052883, ClinGen allele CA393757047.